The following is an entry in ClinVar:

ClinVar aggregate classification (germline): Uncertain significance (1 of 4 stars; one submission).

Conditions:
Congenital disorder of glycosylation, type Iw, autosomal dominant (CDG1WAD). Identifiers: MedGen C5562068, MONDO:0859223, OMIM 619714.

Submission:

Victorian Clinical Genetics Services, Murdoch Childrens Research Institute
Classification: Uncertain significance for Congenital disorder of glycosylation, type Iw, autosomal dominant. Last evaluated: 2023-07-17. Review status: criteria provided, single submitter. Criteria: ACMG Guidelines, 2015. Collection method: clinical testing. Allele origin: germline. Inheritance: Autosomal dominant inheritance. Affected: yes.
Comment: Based on the classification scheme VCGS_Germline_v1.3.4, this variant is classified as VUS-3A. Following criteria are met: 0103 - Dominant negative and loss of function are known mechanisms of disease in this gene and are associated with autosomal dominant and recessive congenital disorder of glycosylation, type Iw (MIM#619714) (MIM#615596), respectively (PMID: 23842455, PMID: 34653363). (I) 0108 -This gene is associated with both recessive and dominant disease. (I) 0115 - Variants in this gene are known to have variable expressivity, resulting in a variable phenotype in those affected by dominant disease (PMID: 34653363). (I) 0200 - Variant is predicted to result in a missense amino acid change from leucine to phenylalanine. (I) 0251 - This variant is heterozygous. (I) 0301 - Variant is absent from gnomAD (both v2 and v3). (SP) 0501 - Missense variant consistently predicted to be damaging by multiple in silico tools or highly conserved with a major amino acid change. (SP) 0600 - Variant is located in the annotated oligosaccharyl transferase STT3 subunit domain (DECIPHER). (I) 0705 - No comparable missense variants have previous evidence for pathogenicity. (I) 0807 - This variant has no previous evidence of pathogenicity. (I) 0905 - No published segregation evidence has been identified for this variant. (I) 1007 - No published functional evidence has been identified for this variant. (I) 1208 - Inheritance information for this variant is not currently available in this individual. (I) Legend: (SP) - Supporting pathogenic, (I) - Information, (SB) - Supporting benign

Literature cited by the submitters: PubMed 23842455; PubMed 34653363.

NM_152713.5(STT3A):c.1099C>T (p.Leu367Phe)

Gene: STT3A (STT3 oligosaccharyltransferase complex catalytic subunit A; plus strand). Cytogenetic location: 11q24.2.
Variant type: single nucleotide variant.
Coding change: c.1099C>T on transcript NM_152713.5 (MANE Select); coding-DNA position 1099, C replaced by T.
Protein change: p.Leu367Phe; replaces leucine 367 with phenylalanine.
Molecular consequence: missense variant.
Genome position (GRCh38, 1-based): chr11:125,609,571, C>T. VCF-style: chr11-125609571-C-T. GRCh37 (hg19) VCF-style: chr11-125479466-C-T.
Other names: c.1099C>T, p.Leu367Phe (NM_001278503.2); c.823C>T, p.Leu275Phe (NM_001278504.2); short protein forms L275F, L367F.
Identifiers: ClinVar variation 3376796 (VCV003376796.1).